The following is an entry in ClinVar:

NM_033517.1:c.3763dupC

Gene: SHANK3 (SH3 and multiple ankyrin repeat domains 3; plus strand).
Variant type: Duplication.
Other names: c.3763dupC (NM_033517.1).
Identifiers: ClinVar variation 4839924 (VCV004839924.1).

ClinVar aggregate classification (germline): Pathogenic (1 of 4 stars; one submission).

Conditions:
Inborn genetic diseases. Identifiers: MedGen C0950123, MeSH D030342.

Submission:

Ambry Genetics
Classification: Pathogenic for Inborn genetic diseases. Last evaluated: 2026-02-19. Review status: criteria provided, single submitter. Criteria: Ambry Variant Classification Scheme 2023. Collection method: clinical testing. Allele origin: germline.
Comment: The c.3763dupC (p.R1255Pfs*41) alteration, located in exon 21 (coding exon 21) of the SHANK3 gene, consists of a duplication of C at position 3763, causing a translational frameshift with a predicted alternate stop codon after 41 amino acids. This variant is expected to result in loss of function by premature protein truncation or nonsense-mediated mRNA decay. This variant was not reported in population-based cohorts in the Genome Aggregation Database (gnomAD). Based on the available evidence, this alteration is classified as pathogenic.